The following is an entry in ClinVar:

NM_001371986.1(UNC80):c.4945C>G (p.Leu1649Val)

Gene: UNC80 (unc-80 subunit of NALCN channel complex; plus strand). Cytogenetic location: 2q34.
Variant type: single nucleotide variant.
Coding change: c.4945C>G on transcript NM_001371986.1 (MANE Select); coding-DNA position 4945, C replaced by G.
Protein change: p.Leu1649Val; replaces leucine 1649 with valine.
Molecular consequence: missense variant.
Genome position (GRCh38, 1-based): chr2:209,913,856, C>G. VCF-style: chr2-209913856-C-G. GRCh37 (hg19) VCF-style: chr2-210778580-C-G.
Other names: c.4747C>G, p.Leu1583Val (NM_032504.2); c.4732C>G, p.Leu1578Val (NM_182587.4); c.4747C>G (NM_032504.1); short protein forms L1578V, L1649V, L1583V.
Identifiers: ClinVar variation 1939616 (VCV001939616.3), dbSNP rs1453502723, ClinGen allele CA350756614.

ClinVar aggregate classification (germline): Uncertain significance. Review status: criteria provided, multiple submitters, no conflicts (2 of 4 stars). 2 submissions from 2 submitters: Uncertain significance (2). Last evaluated 2025-10-02.

Conditions:
Inborn genetic diseases. Identifiers: MedGen C0950123, MeSH D030342.

Allele frequency attached by ClinVar (database versions not stated): gnomAD exomes below 0.00001; gnomAD 0.00003; TOPMed 0.00003.
gnomAD v4.1: 8 of 1,551,378 alleles (0.00052%); highest among the groups gnomAD compares: African/African-American, 0.0096%; no homozygotes.

Submissions (2):

Ambry Genetics
Classification: Uncertain significance for Inborn genetic diseases. Last evaluated: 2025-10-02. Review status: criteria provided, single submitter. Criteria: Ambry Variant Classification Scheme 2023. Collection method: clinical testing. Allele origin: germline.

Labcorp Genetics (formerly Invitae), Labcorp
Classification: Uncertain significance. Last evaluated: 2022-07-21. Review status: criteria provided, single submitter. Criteria: Invitae Variant Classification Sherloc (09022015). Collection method: clinical testing. Allele origin: germline.
Comment: This sequence change replaces leucine, which is neutral and non-polar, with valine, which is neutral and non-polar, at codon 1583 of the UNC80 protein (p.Leu1583Val). This variant is present in population databases (no rsID available, gnomAD 0.01%). This variant has not been reported in the literature in individuals affected with UNC80-related conditions. Algorithms developed to predict the effect of missense changes on protein structure and function are either unavailable or do not agree on the potential impact of this missense change (SIFT: "Not Available"; PolyPhen-2: "Probably Damaging"; Align-GVGD: "Not Available"). In summary, the available evidence is currently insufficient to determine the role of this variant in disease. Therefore, it has been classified as a Variant of Uncertain Significance.